The following is an entry in ClinVar:

NM_000156.6(GAMT):c.570+6C>T

Gene: GAMT (guanidinoacetate N-methyltransferase; minus strand). Cytogenetic location: 19p13.3.
Variant type: single nucleotide variant.
Coding change: c.570+6C>T on transcript NM_000156.6 (MANE Select); 6 bases into the intron after coding-DNA position 570, C replaced by T.
Molecular consequence: intron variant. On other transcripts: synonymous variant (1).
Genome position (GRCh38, 1-based): chr19:1,398,910, G>A on the plus strand (C>T on the coding strand, the complement: GAMT is on the minus strand). VCF-style: chr19-1398910-G-A. GRCh37 (hg19) VCF-style: chr19-1398909-G-A.
Other names: c.576C>T, p.Arg192= (NM_138924.3).
Identifiers: ClinVar variation 2074731 (VCV002074731.1), dbSNP rs766937218, ClinGen allele CA9043608.

ClinVar aggregate classification (germline): Uncertain significance (1 of 4 stars; one submission).

Conditions:
Cerebral creatine deficiency syndrome. Also called: Creatine deficiency syndromes. Identifiers: Orphanet 79172, MedGen C5244016, MONDO:0000456.

Allele frequency attached by ClinVar (database versions not stated): gnomAD exomes below 0.00001; TOPMed below 0.00001; ExAC 0.00001.
gnomAD v4.1: 1 of 1,613,290 alleles (0.000062%); highest among the groups gnomAD compares: Admixed American, 0.0017%; no homozygotes.

Submission:

Labcorp Genetics (formerly Invitae), Labcorp
Classification: Uncertain significance for Cerebral creatine deficiency syndrome. Last evaluated: 2022-06-21. Review status: criteria provided, single submitter. Criteria: Invitae Variant Classification Sherloc (09022015). Collection method: clinical testing. Allele origin: germline.
Comment: This sequence change falls in intron 5 of the GAMT gene. It does not directly change the encoded amino acid sequence of the GAMT protein. It affects a nucleotide within the consensus splice site. This variant is not present in population databases (gnomAD no frequency). This variant has not been reported in the literature in individuals affected with GAMT-related conditions. Variants that disrupt the consensus splice site are a relatively common cause of aberrant splicing (PMID: 17576681, 9536098). Algorithms developed to predict the effect of sequence changes on RNA splicing suggest that this variant is not likely to affect RNA splicing. In summary, the available evidence is currently insufficient to determine the role of this variant in disease. Therefore, it has been classified as a Variant of Uncertain Significance.

Literature cited by the submitters: PubMed 17576681; PubMed 9536098.